The following is an entry in ClinVar:

NM_006231.4(POLE):c.3883C>A (p.Leu1295Met)

Gene: POLE (DNA polymerase epsilon, catalytic subunit; minus strand). Cytogenetic location: 12q24.33.
Variant type: single nucleotide variant.
Coding change: c.3883C>A on transcript NM_006231.4 (MANE Select); coding-DNA position 3883, C replaced by A.
Protein change: p.Leu1295Met; replaces leucine 1295 with methionine.
Molecular consequence: missense variant.
Genome position (GRCh38, 1-based): chr12:132,649,428, G>T on the plus strand (C>A on the coding strand, the complement: POLE is on the minus strand). VCF-style: chr12-132649428-G-T. GRCh37 (hg19) VCF-style: chr12-133226014-G-T.
Other names: short protein forms L1295M.
Identifiers: ClinVar variation 473629 (VCV000473629.16), dbSNP rs1184724406, ClinGen allele CA387385276.
Genomic context (GRCh38, chr12:132,649,428, plus strand): 5'-GCCCCGTGGCAGGACCATCCCGGATGGCCCCGGGCCTGAGCACACCCTCTGCCGACTCCA[G>T]ACGCTGCCTCTTCCTGCGGGCGAGGCGCTGCCGGGCCTGCAGCTGCCACTTCTTCTTGTG-3'
Protein context (NP_006222.2, residues 1285-1305): QRLARRKRQR[Leu1295Met]ESAEGVLRPG

ClinVar aggregate classification (germline): Conflicting classifications of pathogenicity. Review status: criteria provided, conflicting classifications (1 of 4 stars). 3 submissions from 3 submitters: Uncertain significance (2); Likely benign (1). Last evaluated 2025-12-21.

Conditions:
Hereditary cancer-predisposing syndrome. Also called: Neoplastic Syndromes, Hereditary; Tumor predisposition; Hereditary Cancer Syndrome; Hereditary neoplastic syndrome. Identifiers: Orphanet 140162, MedGen C0027672, MeSH D009386, MONDO:0015356.

Allele frequency attached by ClinVar (database versions not stated): gnomAD 0.00001; TOPMed 0.00001.
gnomAD v4.1: 4 of 1,612,942 alleles (0.00025%); highest among the groups gnomAD compares: Admixed American, 0.0067%; no homozygotes.

Submissions (3):

Labcorp Genetics (formerly Invitae), Labcorp
Classification: Uncertain significance. Last evaluated: 2025-12-21. Review status: criteria provided, single submitter. Criteria: Invitae Variant Classification Sherloc (09022015). Collection method: clinical testing. Allele origin: germline.
Comment: This sequence change replaces leucine, which is neutral and non-polar, with methionine, which is neutral and non-polar, at codon 1295 of the POLE protein (p.Leu1295Met). This variant is present in population databases (no rsID available, gnomAD 0.009%). This variant has not been reported in the literature in individuals affected with POLE-related conditions. ClinVar contains an entry for this variant (Variation ID: 473629). Invitae Evidence Modeling of protein sequence and biophysical properties (such as structural, functional, and spatial information, amino acid conservation, physicochemical variation, residue mobility, and thermodynamic stability) indicates that this missense variant is not expected to disrupt POLE protein function with a negative predictive value of 80%. In summary, the available evidence is currently insufficient to determine the role of this variant in disease. Therefore, it has been classified as a Variant of Uncertain Significance.

Ambry Genetics
Classification: Likely benign for Hereditary cancer-predisposing syndrome. Last evaluated: 2024-12-20. Review status: criteria provided, single submitter. Criteria: Ambry Variant Classification Scheme 2023. Collection method: clinical testing. Allele origin: germline.

GeneDx
Classification: Uncertain significance. Last evaluated: 2023-01-25. Review status: criteria provided, single submitter. Criteria: GeneDx Variant Classification Process June 2021. Collection method: clinical testing. Allele origin: germline. Affected: yes.
Comment: In silico analysis supports that this missense variant does not alter protein structure/function; Has not been previously published as pathogenic or benign to our knowledge